The following is an entry in ClinVar:

ClinVar aggregate classification (germline): Uncertain significance (1 of 4 stars; one submission).

Allele frequency attached by ClinVar (database versions not stated): TOPMed below 0.00001; gnomAD exomes below 0.00001; gnomAD 0.00001.
gnomAD v4.1: 6 of 1,613,986 alleles (0.00037%); highest among the groups gnomAD compares: African/African-American, 0.008%; no homozygotes.

Submission:

GeneDx
Classification: Uncertain significance. Last evaluated: 2019-05-21. Review status: criteria provided, single submitter. Criteria: GeneDx Variant Classification Process June 2021. Collection method: clinical testing. Allele origin: germline. Affected: yes.
Comment: Not observed at a significant frequency in large population cohorts (Lek et al., 2016); Missense variants in this gene are often considered pathogenic (Stenson et al., 2014); In silico analysis, which includes protein predictors and evolutionary conservation, supports that this variant does not alter protein structure/function. In addition, in silico splice predictors suggest this variant may impact gene splicing. In the absence of RNA/functional studies, the actual effect of this sequence change is unknown; Has not been previously published as pathogenic or benign to our knowledge

NM_000271.5(NPC1):c.58G>T (p.Val20Leu)

Gene: NPC1 (NPC intracellular cholesterol transporter 1; minus strand). Cytogenetic location: 18q11.2.
Variant type: single nucleotide variant.
Coding change: c.58G>T on transcript NM_000271.5 (MANE Select); coding-DNA position 58, G replaced by T.
Protein change: p.Val20Leu; replaces valine 20 with leucine.
Molecular consequence: missense variant.
Genome position (GRCh38, 1-based): chr18:23,573,574, C>A on the plus strand (G>T on the coding strand, the complement: NPC1 is on the minus strand). VCF-style: chr18-23573574-C-A. GRCh37 (hg19) VCF-style: chr18-21153538-C-A.
Other names: short protein forms V20L.
Identifiers: ClinVar variation 1302478 (VCV001302478.2), dbSNP rs1444708311, ClinGen allele CA402041448.
Genomic context (GRCh38, chr18:23,573,574, plus strand): 5'-ACCTCTTGTCCCCATATGCAATTCCACACTCTCCATACCAAACACAGGACTGTGAAAACA[C>A]CTACAGAAAGTCAACACAAACTTCAGTGTTACCAGGGTCTCAATGGTAAATTTCAACAAG-3'
Protein context (NP_000262.2, residues 10-30): LLLLLLCPAQ[Val20Leu]FSQSCVWYGE